The following is an entry in ClinVar:

ClinVar aggregate classification (germline): Likely benign. Review status: criteria provided, multiple submitters, no conflicts (2 of 4 stars). 2 submissions from 2 submitters: Likely benign (2). Last evaluated 2026-08-01.

gnomAD v4.1: 495 of 1,550,946 alleles (0.032%); highest among the groups gnomAD compares: East Asian, 0.24%; 1 homozygote.

Submissions (2):

CeGaT Center for Human Genetics Tuebingen
Classification: Likely benign. Last evaluated: 2026-08-01. Review status: criteria provided, single submitter. Criteria: CeGaT Center For Human Genetics Tuebingen Variant Classification Criteria Version 2. Collection method: clinical testing. Allele origin: germline. Affected: yes. Observed: 2 variant alleles.
Comment: SETD1B: BP4, BP7

Blueprint Genetics
Classification: Likely benign. Last evaluated: 2024-09-24. Review status: criteria provided, single submitter. Criteria: ACMG Guidelines, 2015. Collection method: clinical testing. Allele origin: germline.

NM_001353345.2(SETD1B):c.5313C>T (p.Thr1771=)

Gene: SETD1B (SET domain containing 1B, histone lysine methyltransferase; plus strand). Cytogenetic location: 12q24.31.
Variant type: single nucleotide variant.
Coding change: c.5313C>T on transcript NM_001353345.2 (MANE Select); coding-DNA position 5313, C replaced by T.
Protein change: p.Thr1771=; no amino-acid change (threonine 1771 retained).
Molecular consequence: synonymous variant.
Genome position (GRCh38, 1-based): chr12:121,825,342, C>T. VCF-style: chr12-121825342-C-T. GRCh37 (hg19) VCF-style: chr12-122263248-C-T.
Identifiers: ClinVar variation 4919035 (VCV004919035.2).